The following is an entry in ClinVar:

NM_001999.4(FBN2):c.7487C>A (p.Ser2496Tyr)

Gene: FBN2 (fibrillin 2; minus strand). Cytogenetic location: 5q23.3.
Variant type: single nucleotide variant.
Coding change: c.7487C>A on transcript NM_001999.4 (MANE Select); coding-DNA position 7487, C replaced by A.
Protein change: p.Ser2496Tyr; replaces serine 2496 with tyrosine.
Molecular consequence: missense variant.
Genome position (GRCh38, 1-based): chr5:128,276,145, G>T on the plus strand (C>A on the coding strand, the complement: FBN2 is on the minus strand). VCF-style: chr5-128276145-G-T. GRCh37 (hg19) VCF-style: chr5-127611837-G-T.
Other names: short protein forms S2496Y.
Identifiers: ClinVar variation 2719043 (VCV002719043.3), dbSNP rs1255465932, ClinGen allele CA360754044.

ClinVar aggregate classification (germline): Uncertain significance (1 of 4 stars; one submission).

Conditions:
Congenital contractural arachnodactyly (CCA). Also called: BEALS SYNDROME; Arthrogryposis, distal, type 9; Beals-Hecht syndrome. Identifiers: Orphanet 115, MedGen C0220668, MONDO:0007363, OMIM 121050.

Submission:

Labcorp Genetics (formerly Invitae), Labcorp
Classification: Uncertain significance for Congenital contractural arachnodactyly. Last evaluated: 2023-06-18. Review status: criteria provided, single submitter. Criteria: Invitae Variant Classification Sherloc (09022015). Collection method: clinical testing. Allele origin: germline.
Comment: In summary, the available evidence is currently insufficient to determine the role of this variant in disease. Therefore, it has been classified as a Variant of Uncertain Significance. Advanced modeling of protein sequence and biophysical properties (such as structural, functional, and spatial information, amino acid conservation, physicochemical variation, residue mobility, and thermodynamic stability) performed at Invitae indicates that this missense variant is not expected to disrupt FBN2 protein function. This variant has not been reported in the literature in individuals affected with FBN2-related conditions. This variant is not present in population databases (gnomAD no frequency). This sequence change replaces serine, which is neutral and polar, with tyrosine, which is neutral and polar, at codon 2496 of the FBN2 protein (p.Ser2496Tyr).